The following is an entry in ClinVar:

NM_004408.4(DNM1):c.1493+14del

Gene: DNM1 (dynamin 1; plus strand). Cytogenetic location: 9q34.11.
Variant type: Deletion.
Coding change: c.1493+14del on transcript NM_004408.4 (MANE Select); 14 bases into the intron after coding-DNA position 1493, one base deleted (C; older notation c.1493+14delC).
Molecular consequence: intron variant.
Genome position (GRCh38, 1-based): chr9:128,239,529, C deleted; the last of 5 consecutive C bases (chr9:128,239,525-128,239,529); deleting any one gives the same sequence. VCF-style (leftmost placement, unchanged base first): chr9-128239524-TC-T. GRCh37 (hg19) VCF-style: chr9-131001803-TC-T.
Other names: p.?; c.1493+14del (NM_001005336.3, NM_001288738.2, NM_001288737.2 and 1 more transcripts); c.1493+14delC (NM_004408.3).
Identifiers: ClinVar variation 476061 (VCV000476061.45), dbSNP rs371426966, ClinGen allele CA5258181.

ClinVar aggregate classification (germline): Benign/Likely benign. Review status: criteria provided, multiple submitters, no conflicts (2 of 4 stars). 5 submissions from 5 submitters: Benign (4); Likely benign (1). Last evaluated 2026-01-28.

Conditions:
Developmental and epileptic encephalopathy, 31A. Also called: Epileptic encephalopathy, early infantile, 31; Developmental and epileptic encephalopathy, 31. Identifiers: Orphanet 2382, MedGen C4225357, MONDO:0014598, OMIM 616346.

Submissions (5):

Labcorp Genetics (formerly Invitae), Labcorp
Classification: Benign for Developmental and epileptic encephalopathy, 31A. Last evaluated: 2026-01-28. Review status: criteria provided, single submitter. Criteria: Invitae Variant Classification Sherloc (09022015). Collection method: clinical testing. Allele origin: germline.

CeGaT Center for Human Genetics Tuebingen
Classification: Benign. Last evaluated: 2025-04-01. Review status: criteria provided, single submitter. Criteria: CeGaT Center For Human Genetics Tuebingen Variant Classification Criteria Version 2. Collection method: clinical testing. Allele origin: germline. Affected: yes. Observed: 5 variant alleles.
Comment: DNM1: BS1, BS2

Blueprint Genetics
Classification: Likely benign. Last evaluated: 2024-11-25. Review status: criteria provided, single submitter. Criteria: ACMG Guidelines, 2015. Collection method: clinical testing. Allele origin: germline.

Mayo Clinic Laboratories, Mayo Clinic
Classification: Benign. Last evaluated: 2024-09-24. Review status: criteria provided, single submitter. Criteria: ACMG Guidelines, 2015. Collection method: clinical testing. Allele origin: germline. Observed: 1 variant allele.
Comment: BS1, BS2

GeneDx
Classification: Benign. Last evaluated: 2016-04-20. Review status: criteria provided, single submitter. Criteria: GeneDx Variant Classification Process June 2021. Collection method: clinical testing. Allele origin: germline. Affected: yes.